The following is an entry in ClinVar:

NM_001142800.2(EYS):c.455T>C (p.Met152Thr)

Gene: EYS (eyes shut homolog; minus strand). Cytogenetic location: 6q12.
Variant type: single nucleotide variant.
Coding change: c.455T>C on transcript NM_001142800.2 (MANE Select); coding-DNA position 455, T replaced by C.
Protein change: p.Met152Thr; replaces methionine 152 with threonine.
Molecular consequence: missense variant.
Genome position (GRCh38, 1-based): chr6:65,494,956, A>G on the plus strand (T>C on the coding strand, the complement: EYS is on the minus strand). VCF-style: chr6-65494956-A-G. GRCh37 (hg19) VCF-style: chr6-66204849-A-G.
Other names: c.455T>C, p.Met152Thr (NM_001142801.2, NM_001292009.2, NM_198283.2); short protein forms M152T.
Identifiers: ClinVar variation 858458 (VCV000858458.4), dbSNP rs771768413, ClinGen allele CA3878069.
Genomic context (GRCh38, chr6:65,494,956, plus strand): 5'-TGCTGTTTCACTGTCACATTTAGTCGAAGTCCCAGTGGACAAGGTGATGGACCACTTGCC[A>G]TAACTGTGATAAAATAATGTGTCCCAACACTCAGCCACTTAGAATTAACAGTGTGCATTC-3'
Protein context (NP_001136272.1, residues 142-162): SVGTHYFITV[Met152Thr]ASGPSPCPLG

ClinVar aggregate classification (germline): Uncertain significance. Review status: criteria provided, single submitter (1 of 4 stars). 2 submissions from 2 submitters: Uncertain significance (1). 1 of the submissions does not count toward it. Last evaluated 2022-06-20.

Conditions:
Retinitis pigmentosa 25 (RP25). Identifiers: Orphanet 791, MedGen C1864446, MONDO:0011272, OMIM 602772.

Allele frequency attached by ClinVar (database versions not stated): ExAC 0.00001; gnomAD exomes 0.00001; TOPMed 0.00008; gnomAD 0.00011 and 0.00012.

Submissions (2):

Labcorp Genetics (formerly Invitae), Labcorp
Classification: Uncertain significance. Last evaluated: 2022-06-20. Review status: criteria provided, single submitter. Criteria: Invitae Variant Classification Sherloc (09022015). Collection method: clinical testing. Allele origin: germline.
Comment: This sequence change replaces methionine, which is neutral and non-polar, with threonine, which is neutral and polar, at codon 152 of the EYS protein (p.Met152Thr). This variant is present in population databases (rs771768413, gnomAD 0.02%). This variant has not been reported in the literature in individuals affected with EYS-related conditions. ClinVar contains an entry for this variant (Variation ID: 858458). Algorithms developed to predict the effect of missense changes on protein structure and function output the following: SIFT: "Tolerated"; PolyPhen-2: "Benign"; Align-GVGD: "Class C0". The threonine amino acid residue is found in multiple mammalian species, which suggests that this missense change does not adversely affect protein function. In summary, the available evidence is currently insufficient to determine the role of this variant in disease. Therefore, it has been classified as a Variant of Uncertain Significance.

Natera, Inc.
Classification: Uncertain significance for Retinitis pigmentosa type 25. Last evaluated: 2021-03-20. Review status: no assertion criteria provided. Collection method: clinical testing. Allele origin: germline. Not counted in ClinVar's aggregate classification.